The following is an entry in ClinVar:

ClinVar aggregate classification (germline): Uncertain significance (1 of 4 stars; one submission).

Allele frequency attached by ClinVar (database versions not stated): TOPMed below 0.00001; gnomAD exomes 0.00001.
gnomAD v4.1: 8 of 1,610,682 alleles (0.0005%); highest among the groups gnomAD compares: Non-Finnish European, 0.00068%; no homozygotes.

Submission:

Labcorp Genetics (formerly Invitae), Labcorp
Classification: Uncertain significance. Last evaluated: 2020-07-21. Review status: criteria provided, single submitter. Criteria: Invitae Variant Classification Sherloc (09022015). Collection method: clinical testing. Allele origin: germline.
Comment: This sequence change replaces asparagine with histidine at codon 603 of the RIMS1 protein (p.Asn603His). The asparagine residue is highly conserved and there is a small physicochemical difference between asparagine and histidine. This variant is not present in population databases (ExAC no frequency). This variant has not been reported in the literature in individuals with RIMS1-related conditions. Algorithms developed to predict the effect of missense changes on protein structure and function (SIFT, PolyPhen-2, Align-GVGD) all suggest that this variant is likely to be disruptive, but these predictions have not been confirmed by published functional studies and their clinical significance is uncertain. In summary, the available evidence is currently insufficient to determine the role of this variant in disease. Therefore, it has been classified as a Variant of Uncertain Significance.

NM_014989.7(RIMS1):c.1807A>C (p.Asn603His)

Gene: RIMS1 (regulating synaptic membrane exocytosis 1; plus strand). Cytogenetic location: 6q13.
Variant type: single nucleotide variant.
Coding change: c.1807A>C on transcript NM_014989.7 (MANE Select); coding-DNA position 1807, A replaced by C.
Protein change: p.Asn603His; replaces asparagine 603 with histidine.
Molecular consequence: missense variant. On other transcripts: 5 prime UTR variant (9).
Genome position (GRCh38, 1-based): chr6:72,235,678, A>C. VCF-style: chr6-72235678-A-C. GRCh37 (hg19) VCF-style: chr6-72945381-A-C.
Other names: c.229A>C, p.Asn77His (NM_001168407.2, NM_001168408.2, NM_001350414.2 and 37 more transcripts); c.-15A>C (NM_001168409.2, NM_001350461.2, NM_001350463.2 and 6 more transcripts); c.184A>C, p.Asn62His (NM_001168410.2, NM_001350470.2, NM_001350472.2 and 2 more transcripts); c.160A>C, p.Asn54His (NM_001350421.2, NM_001350424.2, NM_001350428.2 and 6 more transcripts); short protein forms N54H, N603H, N62H, N77H.
Identifiers: ClinVar variation 1036540 (VCV001036540.8), dbSNP rs2063731646, ClinGen allele CA364823597.